The following is an entry in ClinVar:

ClinVar aggregate classification (germline): Uncertain significance (1 of 4 stars; one submission).

Submission:

Ambry Genetics
Classification: Uncertain significance. Last evaluated: 2024-12-17. Review status: criteria provided, single submitter. Criteria: Ambry Variant Classification Scheme 2023. Collection method: clinical testing. Allele origin: germline.
Comment: The p.N12S variant (also known as c.35A>G), located in coding exon 1 of the TET2 gene, results from an A to G substitution at nucleotide position 35. The asparagine at codon 12 is replaced by serine, an amino acid with highly similar properties. This amino acid position is conserved. In addition, this alteration is predicted to be tolerated by in silico analysis. Based on the available evidence, the clinical significance of this variant remains unclear.

NM_001127208.3(TET2):c.35A>G (p.Asn12Ser)

Genes: TET2 (tet methylcytosine dioxygenase 2; plus strand), TET2-AS1 (TET2 antisense RNA 1; minus strand). Cytogenetic location: 4q24.
Variant type: single nucleotide variant.
Coding change: c.35A>G on transcript NM_001127208.3 (MANE Select); coding-DNA position 35, A replaced by G.
Protein change: p.Asn12Ser; replaces asparagine 12 with serine.
Molecular consequence: missense variant.
Genome position (GRCh38, 1-based): chr4:105,233,977, A>G. VCF-style: chr4-105233977-A-G. GRCh37 (hg19) VCF-style: chr4-106155134-A-G.
Other names: c.35A>G, p.Asn12Ser (NM_017628.4); short protein forms N12S.
Identifiers: ClinVar variation 3805869 (VCV003805869.1).